The following is an entry in ClinVar:

ClinVar aggregate classification (germline): Likely benign. Review status: criteria provided, single submitter (1 of 4 stars). 2 submissions from 2 submitters: Likely benign (1). 1 of the submissions does not count toward it. Last evaluated 2024-12-23.

Conditions:
FBLN5-related disorder. Also called: FBLN5-related condition.

Allele frequency attached by ClinVar (database versions not stated): gnomAD 0.00003; TOPMed 0.00003.

Submissions (2):

Labcorp Genetics (formerly Invitae), Labcorp
Classification: Likely benign. Last evaluated: 2024-12-23. Review status: criteria provided, single submitter. Criteria: Invitae Variant Classification Sherloc (09022015). Collection method: clinical testing. Allele origin: germline.

PreventionGenetics, part of Exact Sciences
Classification: Likely benign for FBLN5-related condition. Last evaluated: 2022-04-21. Review status: no assertion criteria provided. Collection method: clinical testing. Allele origin: germline. Not counted in ClinVar's aggregate classification.
Comment: This variant is classified as likely benign based on ACMG/AMP sequence variant interpretation guidelines (Richards et al. 2015 PMID: 25741868, with internal and published modifications).

NM_006329.4(FBLN5):c.798C>T (p.Pro266=)

Gene: FBLN5 (fibulin 5; minus strand). Cytogenetic location: 14q32.12.
Variant type: single nucleotide variant.
Coding change: c.798C>T on transcript NM_006329.4 (MANE Select); coding-DNA position 798, C replaced by T.
Protein change: p.Pro266=; no amino-acid change (proline 266 retained).
Molecular consequence: synonymous variant.
Genome position (GRCh38, 1-based): chr14:91,883,018, G>A on the plus strand (C>T on the coding strand, the complement: FBLN5 is on the minus strand). VCF-style: chr14-91883018-G-A. GRCh37 (hg19) VCF-style: chr14-92349362-G-A.
Other names: c.921C>T, p.Pro307= (NM_001384158.1); c.849C>T, p.Pro283= (NM_001384159.1); c.798C>T, p.Pro266= (NM_001384160.1); c.630C>T, p.Pro210= (NM_001384161.1, NM_001384162.1).
Identifiers: ClinVar variation 1991120 (VCV001991120.6), dbSNP rs978772167, ClinGen allele CA265596015.